The following is an entry in ClinVar:

NM_003849.4(SUCLG1):c.949G>C (p.Ala317Pro)

Gene: SUCLG1 (succinate-CoA ligase GDP/ADP-forming subunit alpha; minus strand). Cytogenetic location: 2p11.2.
Variant type: single nucleotide variant.
Coding change: c.949G>C on transcript NM_003849.4 (MANE Select); coding-DNA position 949, G replaced by C.
Protein change: p.Ala317Pro; replaces alanine 317 with proline.
Molecular consequence: missense variant.
Genome position (GRCh38, 1-based): chr2:84,425,480, C>G on the plus strand (G>C on the coding strand, the complement: SUCLG1 is on the minus strand). VCF-style: chr2-84425480-C-G. GRCh37 (hg19) VCF-style: chr2-84652604-C-G.
Other names: short protein forms A317P.
Identifiers: ClinVar variation 2013782 (VCV002013782.4), dbSNP rs777534009, ClinGen allele CA1736134.

ClinVar aggregate classification (germline): Uncertain significance (1 of 4 stars; one submission).

Conditions:
Mitochondrial DNA depletion syndrome 9 (MTDPS9). Also called: SUCLG1-Related Mitochondrial DNA Depletion Syndrome, Encephalomyopathic Form with Methylmalonic Aciduria. Identifiers: Orphanet 17, MedGen C3151476, MONDO:0009504, OMIM 245400.

Allele frequency attached by ClinVar (database versions not stated): gnomAD 0.00001; ExAC 0.00002.
gnomAD v4.1: 14 of 1,614,102 alleles (0.00087%); highest among the groups gnomAD compares: South Asian, 0.015%; no homozygotes.

Submission:

Labcorp Genetics (formerly Invitae), Labcorp
Classification: Uncertain significance for Mitochondrial DNA depletion syndrome 9. Last evaluated: 2022-07-03. Review status: criteria provided, single submitter. Criteria: Invitae Variant Classification Sherloc (09022015). Collection method: clinical testing. Allele origin: germline.
Comment: Algorithms developed to predict the effect of missense changes on protein structure and function (SIFT, PolyPhen-2, Align-GVGD) all suggest that this variant is likely to be disruptive. This variant has not been reported in the literature in individuals affected with SUCLG1-related conditions. This variant is present in population databases (rs777534009, gnomAD 0.01%). This sequence change replaces alanine, which is neutral and non-polar, with proline, which is neutral and non-polar, at codon 317 of the SUCLG1 protein (p.Ala317Pro). In summary, the available evidence is currently insufficient to determine the role of this variant in disease. Therefore, it has been classified as a Variant of Uncertain Significance.